The following is an entry in ClinVar:

ClinVar aggregate classification (germline): Uncertain significance (1 of 4 stars; one submission).

Conditions:
Hereditary cancer-predisposing syndrome. Also called: Tumor predisposition; Hereditary Cancer Syndrome; Neoplastic Syndromes, Hereditary; Hereditary neoplastic syndrome. Identifiers: Orphanet 140162, MedGen C0027672, MeSH D009386, MONDO:0015356.

Submission:

Ambry Genetics
Classification: Uncertain significance for Hereditary cancer-predisposing syndrome. Last evaluated: 2022-03-30. Review status: criteria provided, single submitter. Criteria: Ambry Variant Classification Scheme 2023. Collection method: clinical testing. Allele origin: germline.
Comment: The p.D898N variant (also known as c.2692G>A), located in coding exon 15 of the RET gene, results from a G to A substitution at nucleotide position 2692. The aspartic acid at codon 898 is replaced by asparagine, an amino acid with highly similar properties. This amino acid position is highly conserved in available vertebrate species. In addition, the in silico prediction for this alteration is inconclusive. Since supporting evidence is limited at this time, the clinical significance of this alteration remains unclear.

NM_020975.6(RET):c.2692G>A (p.Asp898Asn)

Gene: RET (ret proto-oncogene; plus strand). Cytogenetic location: 10q11.21.
Variant type: single nucleotide variant.
Coding change: c.2692G>A on transcript NM_020975.6 (MANE Select); coding-DNA position 2692, G replaced by A.
Protein change: p.Asp898Asn; replaces aspartic acid 898 with asparagine.
Molecular consequence: missense variant.
Genome position (GRCh38, 1-based): chr10:43,120,165, G>A. VCF-style: chr10-43120165-G-A. GRCh37 (hg19) VCF-style: chr10-43615613-G-A.
Other names: c.2692G>A, p.Asp898Asn (NM_000323.2, NM_001406743.1, NM_001406744.1 and 4 more transcripts); c.1930G>A, p.Asp644Asn (NM_001355216.2); c.2563G>A, p.Asp855Asn (NM_001406761.1, NM_001406762.1, NM_001406764.1); c.2557G>A, p.Asp853Asn (NM_001406763.1, NM_001406765.1); c.2404G>A, p.Asp802Asn (NM_001406766.1, NM_001406767.1, NM_001406770.1); c.2428G>A, p.Asp810Asn (NM_001406768.1); c.2296G>A, p.Asp766Asn (NM_001406769.1, NM_001406772.1); c.2254G>A, p.Asp752Asn (NM_001406771.1, NM_001406773.1); and 10 more; short protein forms D415N, D556N, D752N, D810N, D898N, D463N, D559N, D644N.
Identifiers: ClinVar variation 1794820 (VCV001794820.2), dbSNP rs587780810, ClinGen allele CA376557235.